The following is an entry in ClinVar:

ClinVar aggregate classification (germline): Uncertain significance (1 of 4 stars; one submission).

Conditions:
Fanconi anemia (FA). Also called: Fanconi's anemia. Identifiers: Orphanet 84, MedGen C0015625, MeSH D005199, MONDO:0019391.

Submission:

Labcorp Genetics (formerly Invitae), Labcorp
Classification: Uncertain significance for Fanconi anemia. Last evaluated: 2023-12-11. Review status: criteria provided, single submitter. Criteria: Invitae Variant Classification Sherloc (09022015). Collection method: clinical testing. Allele origin: germline.
Comment: This sequence change replaces alanine, which is neutral and non-polar, with proline, which is neutral and non-polar, at codon 938 of the SLX4 protein (p.Ala938Pro). This variant is not present in population databases (gnomAD no frequency). This variant has not been reported in the literature in individuals affected with SLX4-related conditions. ClinVar contains an entry for this variant (Variation ID: 1422244). An algorithm developed to predict the effect of missense changes on protein structure and function (PolyPhen-2) suggests that this variant is likely to be tolerated. In summary, the available evidence is currently insufficient to determine the role of this variant in disease. Therefore, it has been classified as a Variant of Uncertain Significance.

NM_032444.4(SLX4):c.2812G>C (p.Ala938Pro)

Gene: SLX4 (SLX4 structure-specific endonuclease subunit; minus strand). Cytogenetic location: 16p13.3.
Variant type: single nucleotide variant.
Coding change: c.2812G>C on transcript NM_032444.4 (MANE Select); coding-DNA position 2812, G replaced by C.
Protein change: p.Ala938Pro; replaces alanine 938 with proline.
Molecular consequence: missense variant.
Genome position (GRCh38, 1-based): chr16:3,590,826, C>G on the plus strand (G>C on the coding strand, the complement: SLX4 is on the minus strand). VCF-style: chr16-3590826-C-G. GRCh37 (hg19) VCF-style: chr16-3640827-C-G.
Other names: short protein forms A938P.
Identifiers: ClinVar variation 1422244 (VCV001422244.8), dbSNP rs2151125038, ClinGen allele CA394522762.